The following is an entry in ClinVar:

ClinVar aggregate classification (germline): Benign (0 of 4 stars; one submission).

Conditions:
ASMT-related disorder. Also called: ASMT-related condition.

Allele frequency attached by ClinVar (database versions not stated): gnomAD 0.44149; 1000 Genomes Project 30x 0.45161; 1000 Genomes Project 0.45828; ExAC 0.60000.
gnomAD v4.1: 108,028 of 243,960 alleles (44%); highest among the groups gnomAD compares: Middle Eastern, 54%; 23,649 homozygotes.

Submission:

PreventionGenetics, part of Exact Sciences
Classification: Benign for ASMT-related condition. Last evaluated: 2023-02-22. Review status: no assertion criteria provided. Collection method: clinical testing. Allele origin: germline.
Comment: This variant is classified as benign based on ACMG/AMP sequence variant interpretation guidelines (Richards et al. 2015 PMID: 25741868, with internal and published modifications).

NM_001171038.2(ASMT):c.568T>C (p.Trp190Arg)

Gene: ASMT (acetylserotonin O-methyltransferase; plus strand). Cytogenetic location: Yp11.2.
Variant type: single nucleotide variant.
Coding change: c.568T>C on transcript NM_001171038.2 (MANE Select); coding-DNA position 568, T replaced by C.
Protein change: p.Trp190Arg; replaces tryptophan 190 with arginine.
Molecular consequence: missense variant. On other transcripts: intron variant (2).
Genome position (GRCh38, 1-based): chrX:1,632,709, T>C. VCF-style: chrX-1632709-T-C. GRCh37 (hg19) VCF-style: chrX-1751602-T-C.
Other names: NM_004043.2:c.568T>C; c.563-441T>C (NM_001416525.1); c.562+2770T>C (NM_001171039.1); short protein forms W190R.
Identifiers: ClinVar variation 3036492 (VCV003036492.2), dbSNP rs6588809, ClinGen allele CA10334908.